The following is an entry in ClinVar:

NM_001371986.1(UNC80):c.8806C>A (p.Leu2936Ile)

Gene: UNC80 (unc-80 subunit of NALCN channel complex; plus strand). Cytogenetic location: 2q34.
Variant type: single nucleotide variant.
Coding change: c.8806C>A on transcript NM_001371986.1 (MANE Select); coding-DNA position 8806, C replaced by A.
Protein change: p.Leu2936Ile; replaces leucine 2936 with isoleucine.
Molecular consequence: missense variant.
Genome position (GRCh38, 1-based): chr2:209,976,946, C>A. VCF-style: chr2-209976946-C-A. GRCh37 (hg19) VCF-style: chr2-210841670-C-A.
Other names: c.8608C>A, p.Leu2870Ile (NM_032504.2); c.8593C>A, p.Leu2865Ile (NM_182587.4); short protein forms L2865I, L2870I, L2936I.
Identifiers: ClinVar variation 1714772 (VCV001714772.5), dbSNP rs1487041230, ClinGen allele CA350414072.

ClinVar aggregate classification (germline): Uncertain significance (1 of 4 stars; one submission).

Allele frequency attached by ClinVar (database versions not stated): TOPMed below 0.00001.
gnomAD v4.1: 2 of 1,528,826 alleles (0.00013%); no homozygotes.

Submission:

Labcorp Genetics (formerly Invitae), Labcorp
Classification: Uncertain significance. Last evaluated: 2022-08-31. Review status: criteria provided, single submitter. Criteria: Invitae Variant Classification Sherloc (09022015). Collection method: clinical testing. Allele origin: germline.
Comment: This sequence change replaces leucine, which is neutral and non-polar, with isoleucine, which is neutral and non-polar, at codon 2870 of the UNC80 protein (p.Leu2870Ile). The frequency data for this variant in the population databases is considered unreliable, as metrics indicate poor data quality at this position in the gnomAD database. This variant has not been reported in the literature in individuals affected with UNC80-related conditions. Algorithms developed to predict the effect of missense changes on protein structure and function are either unavailable or do not agree on the potential impact of this missense change (SIFT: "Not Available"; PolyPhen-2: "Benign"; Align-GVGD: "Not Available"). In summary, the available evidence is currently insufficient to determine the role of this variant in disease. Therefore, it has been classified as a Variant of Uncertain Significance.